The following is an entry in ClinVar:

NC_000023.10:g.(?_77227108)_(77227268_?)del

Gene: ATP7A (ATPase copper transporting alpha; plus strand). Cytogenetic location: Xq21.1.
Variant type: Deletion.
Identifiers: ClinVar variation 1459436 (VCV001459436.5).

ClinVar aggregate classification (germline): Pathogenic (1 of 4 stars; one submission).

Conditions:
Cutis laxa, X-linked (OHS). Also called: EDS IX; Occipital horn syndrome. Identifiers: Orphanet 198, MedGen C0268353, MONDO:0010572, OMIM 304150.
X-linked distal spinal muscular atrophy type 3. Also called: ATP7A-Related Distal Motor Neuropathy; SPINAL MUSCULAR ATROPHY, DISTAL, X-LINKED RECESSIVE; NEURONOPATHY, DISTAL HEREDITARY MOTOR, X-LINKED; NEUROPATHY, DISTAL HEREDITARY MOTOR, X-LINKED. Identifiers: Orphanet 139557, MedGen C1845359, MONDO:0010338, OMIM 300489.
Menkes kinky-hair syndrome (MNK). Also called: Classic Menkes Disease; Copper transport disease; Menkes Disease. Identifiers: Orphanet 565, MedGen C0022716, MONDO:0010651, OMIM 309400.

Submission:

Labcorp Genetics (formerly Invitae), Labcorp
Classification: Pathogenic for X-linked distal spinal muscular atrophy type 3; Cutis laxa, X-linked; Menkes kinky-hair syndrome. Last evaluated: 2021-05-29. Review status: criteria provided, single submitter. Criteria: Invitae Variant Classification Sherloc (09022015). Collection method: clinical testing. Allele origin: germline.
Comment: For these reasons, this variant has been classified as Pathogenic. This variant has not been reported in the literature in individuals with ATP7A-related conditions. This variant is a gross deletion of the genomic region encompassing exon(s) 2 of the ATP7A gene, which includes the initiator codon. The 5' end of this event is unknown as it extends beyond the assayed region for this gene and therefore may encompass additional genes. The 3' boundary is likely confined to intron 2 of the ATP7A gene. It is expected to result in an absent or disrupted protein product. Loss-of-function variants in ATP7A are known to be pathogenic (PMID: 11241493, 20652413).

Literature cited by the submitters: PubMed 11241493; PubMed 20652413.